The following is an entry in ClinVar:

ClinVar aggregate classification (germline): Likely pathogenic (1 of 4 stars; one submission).

Conditions:
Ullrich congenital muscular dystrophy 2 (UCMD2). Identifiers: Orphanet 75840, MedGen C4225314, MONDO:0014654, OMIM 616470.
Bethlem myopathy 2 (BTHLM2). Identifiers: Orphanet 536516, Orphanet 610, MedGen C4225313, MONDO:0034022, OMIM 616471.

Submission:

Labcorp Genetics (formerly Invitae), Labcorp
Classification: Likely pathogenic for Bethlem myopathy 2; Ullrich congenital muscular dystrophy 2. Last evaluated: 2025-07-13. Review status: criteria provided, single submitter. Criteria: Invitae Variant Classification Sherloc (09022015). Collection method: clinical testing. Allele origin: germline.
Comment: This sequence change affects a donor splice site in intron 48 of the COL12A1 gene. It is expected to disrupt RNA splicing. Variants that disrupt the donor or acceptor splice site typically lead to a loss of protein function (PMID: 16199547), and loss-of-function variants in COL12A1 are known to be pathogenic (PMID: 24334604, 28973083). This variant is not present in population databases (gnomAD no frequency). This variant has not been reported in the literature in individuals affected with COL12A1-related conditions. Algorithms developed to predict the effect of sequence changes on RNA splicing suggest that this variant may disrupt the consensus splice site. In summary, the currently available evidence indicates that the variant is pathogenic, but additional data are needed to prove that conclusively. Therefore, this variant has been classified as Likely Pathogenic.

Literature cited by the submitters: PubMed 16199547; PubMed 24334604; PubMed 28973083.

NM_004370.6(COL12A1):c.7558+2T>G

Gene: COL12A1 (collagen type XII alpha 1 chain; minus strand). Cytogenetic location: 6q13.
Variant type: single nucleotide variant.
Coding change: c.7558+2T>G on transcript NM_004370.6 (MANE Select); the canonical splice donor site of the intron after coding-DNA position 7558, T replaced by G.
Molecular consequence: splice donor variant.
Genome position (GRCh38, 1-based): chr6:75,116,017, A>C on the plus strand (T>G on the coding strand, the complement: COL12A1 is on the minus strand). VCF-style: chr6-75116017-A-C. GRCh37 (hg19) VCF-style: chr6-75825733-A-C.
Other names: c.7285+2T>G (NM_001424115.1); c.7537+2T>G (NM_001424114.1); c.4066+2T>G (NM_001424116.1, NM_080645.3); c.7558+2T>G (NM_001424113.1).
Identifiers: ClinVar variation 4785553 (VCV004785553.1).
Genomic context (GRCh38, chr6:75,116,017, plus strand): 5'-CATTTTAATTATTTTATTGCTTAAATCTGGAAATTAATTTGCCCCAAAGTATAAATGCTT[A>C]CCTGGTGAGGTGTAGCCATCCAAATAAATGAGAGGACAACCTGCAATGTACAGTGTTCTT-3'